The following is an entry in ClinVar:

ClinVar aggregate classification (germline): Uncertain significance (1 of 4 stars; one submission).

Submission:

Labcorp Genetics (formerly Invitae), Labcorp
Classification: Uncertain significance. Last evaluated: 2021-12-30. Review status: criteria provided, single submitter. Criteria: Invitae Variant Classification Sherloc (09022015). Collection method: clinical testing. Allele origin: germline.
Comment: This sequence change replaces serine, which is neutral and polar, with cysteine, which is neutral and slightly polar, at codon 202 of the HOXB13 protein (p.Ser202Cys). This variant is not present in population databases (gnomAD no frequency). In summary, the available evidence is currently insufficient to determine the role of this variant in disease. Therefore, it has been classified as a Variant of Uncertain Significance. Algorithms developed to predict the effect of missense changes on protein structure and function (SIFT, PolyPhen-2, Align-GVGD) all suggest that this variant is likely to be tolerated. This variant has not been reported in the literature in individuals affected with HOXB13-related conditions.

NM_006361.6(HOXB13):c.605C>G (p.Ser202Cys)

Gene: HOXB13 (homeobox B13; minus strand). Cytogenetic location: 17q21.32.
Variant type: single nucleotide variant.
Coding change: c.605C>G on transcript NM_006361.6 (MANE Select); coding-DNA position 605, C replaced by G.
Protein change: p.Ser202Cys; replaces serine 202 with cysteine.
Molecular consequence: missense variant.
Genome position (GRCh38, 1-based): chr17:48,727,040, G>C on the plus strand (C>G on the coding strand, the complement: HOXB13 is on the minus strand). VCF-style: chr17-48727040-G-C. GRCh37 (hg19) VCF-style: chr17-46804402-G-C.
Other names: short protein forms S202C.
Identifiers: ClinVar variation 1934321 (VCV001934321.5), dbSNP rs2143067991, ClinGen allele CA400107071.